The following is an entry in ClinVar:

ClinVar aggregate classification (germline): Uncertain significance (1 of 4 stars; one submission).

Conditions:
Cardiovascular phenotype. Identifiers: MedGen CN230736.

Allele frequency attached by ClinVar (database versions not stated): gnomAD exomes below 0.00001; TOPMed below 0.00001; gnomAD 0.00001.
gnomAD v4.1: 3 of 1,546,310 alleles (0.00019%); highest among the groups gnomAD compares: African/African-American, 0.0041%; no homozygotes.

Submission:

Ambry Genetics
Classification: Uncertain significance for Cardiovascular phenotype. Last evaluated: 2023-10-19. Review status: criteria provided, single submitter. Criteria: Ambry Variant Classification Scheme 2023. Collection method: clinical testing. Allele origin: germline.
Comment: The p.S43P variant (also known as c.127T>C), located in coding exon 1 of the CHST14 gene, results from a T to C substitution at nucleotide position 127. The serine at codon 43 is replaced by proline, an amino acid with similar properties. This amino acid position is conserved. In addition, the in silico prediction for this alteration is inconclusive. Since supporting evidence is limited at this time, the clinical significance of this alteration remains unclear.

NM_130468.4(CHST14):c.127T>C (p.Ser43Pro)

Genes: CHST14 (carbohydrate sulfotransferase 14; plus strand), LOC130056851 (ATAC-STARR-seq lymphoblastoid silent region 6336; plus strand). Cytogenetic location: 15q15.1.
Variant type: single nucleotide variant.
Coding change: c.127T>C on transcript NM_130468.4 (MANE Select); coding-DNA position 127, T replaced by C.
Protein change: p.Ser43Pro; replaces serine 43 with proline.
Molecular consequence: missense variant.
Genome position (GRCh38, 1-based): chr15:40,471,340, T>C. VCF-style: chr15-40471340-T-C. GRCh37 (hg19) VCF-style: chr15-40763539-T-C.
Other names: short protein forms S43P.
Identifiers: ClinVar variation 3229031 (VCV003229031.1), dbSNP rs1473645945, ClinGen allele CA391763770.
Genomic context (GRCh38, chr15:40,471,340, plus strand): 5'-AGGCGGGCCCCTCTGGGCAGGGCCCGGGCGGGGCTGGGTGGGCCGCCCCTGCTGCTGCCG[T>C]CCATGCTGATGTTTGCGGTGATCGTGGCCTCCAGCGGGCTGCTGCTCATGATCGAGCGGG-3'
Protein context (NP_569735.1, residues 33-53): GLGGPPLLLP[Ser43Pro]MLMFAVIVAS